The following is an entry in ClinVar:

NM_002878.4(RAD51D):c.84G>A (p.Val28=)

Genes: RAD51L3-RFFL (RAD51L3-RFFL readthrough; minus strand), RAD51D (RAD51 paralog D; minus strand). Cytogenetic location: 17q12.
Variant type: single nucleotide variant.
Coding change: c.84G>A on transcript NM_002878.4 (MANE Select); coding-DNA position 84, G replaced by A.
Protein change: p.Val28=; no amino-acid change (valine 28 retained).
Molecular consequence: synonymous variant. On other transcripts: non-coding transcript variant (2).
Genome position (GRCh38, 1-based): chr17:35,119,171, C>T on the plus strand (G>A on the coding strand, the complement: RAD51D is on the minus strand). VCF-style: chr17-35119171-C-T. GRCh37 (hg19) VCF-style: chr17-33446190-C-T.
Other names: c.84G>A, p.Val28= (NM_001142571.2, NM_133629.3).
Identifiers: ClinVar variation 822517 (VCV000822517.10), dbSNP rs757325572, ClinGen allele CA290006878.

ClinVar aggregate classification (germline): Conflicting classifications of pathogenicity. Review status: criteria provided, conflicting classifications (1 of 4 stars). 3 submissions from 3 submitters: Uncertain significance (1); Benign (1); Likely benign (1). Last evaluated 2025-02-20.

Conditions:
Breast-ovarian cancer, familial, susceptibility to, 4. Identifiers: Orphanet 145, MedGen C3280345, MONDO:0013669, OMIM 614291.
Hereditary cancer-predisposing syndrome. Also called: Tumor predisposition; Hereditary Cancer Syndrome; Neoplastic Syndromes, Hereditary; Hereditary neoplastic syndrome. Identifiers: Orphanet 140162, MedGen C0027672, MeSH D009386, MONDO:0015356.

Allele frequency attached by ClinVar (database versions not stated): gnomAD exomes below 0.00001; TOPMed below 0.00001; gnomAD 0.00001.
gnomAD v4.1: 5 of 1,613,492 alleles (0.00031%); highest among the groups gnomAD compares: African/African-American, 0.0013%; no homozygotes.

Submissions (3):

Myriad Genetics, Inc.
Classification: Benign for Breast-ovarian cancer, familial, susceptibility to, 4. Last evaluated: 2025-02-20. Review status: criteria provided, single submitter. Criteria: Myriad Autosomal Dominant, Autosomal Recessive and X-Linked Classification Criteria (2023). Collection method: clinical testing. Allele origin: unknown.
Comment: This variant is considered benign. This variant is a silent/synonymous amino acid change and it is not expected to impact splicing.

Labcorp Genetics (formerly Invitae), Labcorp
Classification: Uncertain significance for Breast-ovarian cancer, familial, susceptibility to, 4. Last evaluated: 2024-12-26. Review status: criteria provided, single submitter. Criteria: Invitae Variant Classification Sherloc (09022015). Collection method: clinical testing. Allele origin: germline.
Comment: This sequence change affects codon 28 of the RAD51D mRNA. It is a 'silent' change, meaning that it does not change the encoded amino acid sequence of the RAD51D protein. This variant is present in population databases (rs757325572, gnomAD 0.0009%). This variant has not been reported in the literature in individuals affected with RAD51D-related conditions. ClinVar contains an entry for this variant (Variation ID: 822517). Algorithms developed to predict the effect of sequence changes on RNA splicing suggest that this variant may create or strengthen a splice site. In summary, the available evidence is currently insufficient to determine the role of this variant in disease. Therefore, it has been classified as a Variant of Uncertain Significance.

Ambry Genetics
Classification: Likely benign for Hereditary cancer-predisposing syndrome. Last evaluated: 2019-03-20. Review status: criteria provided, single submitter. Criteria: Ambry Variant Classification Scheme 2023. Collection method: clinical testing. Allele origin: germline.